The following is an entry in ClinVar:

ClinVar aggregate classification (germline): Pathogenic (1 of 4 stars; one submission).

Conditions:
Very long chain acyl-CoA dehydrogenase deficiency (ACADVLD). Also called: VLCAD Deficiency; Very Long-Chain Acyl-Coenzyme A Dehydrogenase Deficiency. Identifiers: Orphanet 26793, MedGen C3887523, MONDO:0008723, OMIM 201475.

Submission:

Labcorp Genetics (formerly Invitae), Labcorp
Classification: Pathogenic for Very long chain acyl-CoA dehydrogenase deficiency. Last evaluated: 2024-02-26. Review status: criteria provided, single submitter. Criteria: Invitae Variant Classification Sherloc (09022015). Collection method: clinical testing. Allele origin: germline.
Comment: This sequence change creates a premature translational stop signal (p.His293Metfs*60) in the ACADVL gene. It is expected to result in an absent or disrupted protein product. Loss-of-function variants in ACADVL are known to be pathogenic (PMID: 9973285, 11590124). This variant is not present in population databases (gnomAD no frequency). This variant has not been reported in the literature in individuals affected with ACADVL-related conditions. For these reasons, this variant has been classified as Pathogenic.

Literature cited by the submitters: PubMed 9973285; PubMed 11590124.

NM_000018.4(ACADVL):c.877del (p.His293fs)

Gene: ACADVL (acyl-CoA dehydrogenase very long chain; plus strand). Cytogenetic location: 17p13.1.
Variant type: Deletion.
Coding change: c.877del on transcript NM_000018.4 (MANE Select); coding-DNA position 877, one base deleted (C; older notation c.877delC).
Protein change: p.His293fs; shifts the reading frame from histidine 293.
Molecular consequence: frameshift variant.
Genome position (GRCh38, 1-based): chr17:7,222,301, C deleted; the last of 3 consecutive C bases (chr17:7,222,299-7,222,301); deleting any one gives the same sequence. VCF-style (leftmost placement, unchanged base first): chr17-7222298-AC-A. GRCh37 (hg19) VCF-style: chr17-7125617-AC-A.
Other names: c.811del, p.His271fs (NM_001033859.3); c.946del, p.His316fs (NM_001270447.2); c.649del, p.His217fs (NM_001270448.2); short protein forms H293fs, H217fs, H271fs, H316fs.
Identifiers: ClinVar variation 2759976 (VCV002759976.3), dbSNP rs2508306468, ClinGen allele CA2697557229.